The following is an entry in ClinVar:

ClinVar aggregate classification (germline): Uncertain significance (1 of 4 stars; one submission).

Conditions:
KBG syndrome (KBGS). Also called: ANKRD11-Related KBG Syndrome. Identifiers: Orphanet 2332, MedGen C0220687, MONDO:0007846, OMIM 148050.

Allele frequency attached by ClinVar (database versions not stated): ESP Exome Variant Server 0.00018; 1000 Genomes Project 0.00020; gnomAD exomes 0.00004 and 0.00007; TOPMed 0.00007; gnomAD 0.00008; ExAC 0.00011; 1000 Genomes Project 30x 0.00016.
gnomAD v4.1: 71 of 1,575,586 alleles (0.0045%); highest among the groups gnomAD compares: South Asian, 0.011%; no homozygotes.

Submission:

Labcorp Genetics (formerly Invitae), Labcorp
Classification: Uncertain significance for KBG syndrome. Last evaluated: 2024-01-29. Review status: criteria provided, single submitter. Criteria: Invitae Variant Classification Sherloc (09022015). Collection method: clinical testing. Allele origin: germline.
Comment: This sequence change replaces phenylalanine, which is neutral and non-polar, with serine, which is neutral and polar, at codon 2065 of the ANKRD11 protein (p.Phe2065Ser). This variant is present in population databases (rs368831797, gnomAD 0.02%). This variant has not been reported in the literature in individuals affected with ANKRD11-related conditions. ClinVar contains an entry for this variant (Variation ID: 1388814). Advanced modeling of protein sequence and biophysical properties (such as structural, functional, and spatial information, amino acid conservation, physicochemical variation, residue mobility, and thermodynamic stability) performed at Invitae indicates that this missense variant is not expected to disrupt ANKRD11 protein function with a negative predictive value of 95%. In summary, the available evidence is currently insufficient to determine the role of this variant in disease. Therefore, it has been classified as a Variant of Uncertain Significance.

NM_013275.6(ANKRD11):c.6194T>C (p.Phe2065Ser)

Gene: ANKRD11 (ankyrin repeat domain 11; minus strand). Cytogenetic location: 16q24.3.
Variant type: single nucleotide variant.
Coding change: c.6194T>C on transcript NM_013275.6 (MANE Select); coding-DNA position 6194, T replaced by C.
Protein change: p.Phe2065Ser; replaces phenylalanine 2065 with serine.
Molecular consequence: missense variant.
Genome position (GRCh38, 1-based): chr16:89,280,348, A>G on the plus strand (T>C on the coding strand, the complement: ANKRD11 is on the minus strand). VCF-style: chr16-89280348-A-G. GRCh37 (hg19) VCF-style: chr16-89346756-A-G.
Other names: c.6194T>C, p.Phe2065Ser (NM_001256182.2, NM_001256183.2); short protein forms F2065S.
Identifiers: ClinVar variation 1388814 (VCV001388814.6), dbSNP rs368831797, ClinGen allele CA8241539.